The following is an entry in ClinVar:

NM_000038.6(APC):c.6237_6241del (p.Asp2079fs)

Gene: APC (APC regulator of Wnt signaling pathway; plus strand). Cytogenetic location: 5q22.2.
Variant type: Deletion.
Coding change: c.6237_6241del on transcript NM_000038.6 (MANE Select); coding-DNA positions 6237 to 6241, 5 bases deleted (TTTGA; older notation c.6237_6241delTTTGA).
Protein change: p.Asp2079fs; shifts the reading frame from aspartic acid 2079.
Molecular consequence: frameshift variant.
Genome position (GRCh38, 1-based): chr5:112,841,831-112,841,835, TTTGA deleted; deleting any 5 consecutive bases within chr5:112,841,827-112,841,835 gives the same sequence; the c. name uses the placement nearest the transcript's 3' end. VCF-style (leftmost placement, unchanged base first): chr5-112841826-CTTGAT-C. GRCh37 (hg19) VCF-style: chr5-112177523-CTTGAT-C.
Other names: c.6237_6241del, p.Asp2079fs (NM_001127510.3, NM_001354895.2); c.6183_6187del, p.Asp2061fs (NM_001127511.3); c.6291_6295del, p.Asp2097fs (NM_001354896.2); c.6267_6271del, p.Asp2089fs (NM_001354897.2); c.6162_6166del, p.Asp2054fs (NM_001354898.2); c.6153_6157del, p.Asp2051fs (NM_001354899.2); c.6114_6118del, p.Asp2038fs (NM_001354900.2); c.6060_6064del, p.Asp2020fs (NM_001354901.2); and 5 more; short protein forms D1919fs, D2038fs, D2054fs, D2079fs, D1796fs, D1978fs, D1988fs, D2051fs.
Identifiers: ClinVar variation 1351663 (VCV001351663.8), dbSNP rs2149960307, ClinGen allele CA2573138692.

ClinVar aggregate classification (germline): Pathogenic (1 of 4 stars; one submission).

Conditions:
Familial adenomatous polyposis 1 (FAP1). Also called: FAMILIAL ADENOMATOUS POLYPOSIS 1, ATTENUATED; POLYPOSIS, ADENOMATOUS INTESTINAL. Identifiers: MedGen C2713442, MONDO:0021056, OMIM 175100. Disease mechanism: loss of function.

Submission:

Labcorp Genetics (formerly Invitae), Labcorp
Classification: Pathogenic for Familial adenomatous polyposis 1. Last evaluated: 2022-03-05. Review status: criteria provided, single submitter. Criteria: Invitae Variant Classification Sherloc (09022015). Collection method: clinical testing. Allele origin: germline.
Comment: This sequence change creates a premature translational stop signal (p.Asp2079Glufs*15) in the APC gene. While this is not anticipated to result in nonsense mediated decay, it is expected to disrupt the last 765 amino acid(s) of the APC protein. This variant is not present in population databases (gnomAD no frequency). This variant has not been reported in the literature in individuals affected with APC-related conditions. This variant is expected to disrupt the EB1 and HDLG binding sites, which mediate interactions with the cytoskeleton (PMID: 15311282, 17293347). While functional studies have not been performed to directly test the effect on APC protein function, this suggests that disruption of the C-terminal portion of the protein is functionally important. A different truncation (p.Tyr2645Lysfs*14) that lies downstream of this variant has been determined to be pathogenic (PMID: 9824584, 1316610, 27081525, 8381579, 22135120, Invitae). This suggests that deletion of this region of the APC protein is causative of disease. For these reasons, this variant has been classified as Pathogenic.

Literature cited by the submitters: PubMed 15311282; PubMed 17293347; PubMed 9824584; PubMed 1316610; PubMed 27081525; PubMed 8381579; PubMed 22135120.